The following is an entry in ClinVar:

ClinVar aggregate classification (germline): Benign (1 of 4 stars; one submission).

Conditions:
Lathosterolosis. Also called: STEROL C5-DESATURASE DEFICIENCY; SC5D DEFICIENCY. Identifiers: Orphanet 46059, MedGen C1846421, MONDO:0011816, OMIM 607330.

Allele frequency attached by ClinVar (database versions not stated): gnomAD 0.00003 and 0.00080; TOPMed 0.00012; 1000 Genomes Project 0.00539; 1000 Genomes Project 30x 0.00547.

Submission:

Illumina Laboratory Services, Illumina
Classification: Benign for Lathosterolosis. Last evaluated: 2018-01-13. Review status: criteria provided, single submitter. Criteria: ICSL Variant Classification Criteria 13 December 2019. Collection method: clinical testing. Allele origin: germline.
Comment: This variant was observed in the ICSL laboratory as part of a predisposition screen in an ostensibly healthy population. It had not been previously curated by ICSL or reported in the Human Gene Mutation Database (HGMD: prior to June 1st, 2018), and was therefore a candidate for classification through an automated scoring system. Utilizing variant allele frequency, disease prevalence and penetrance estimates, and inheritance mode, an automated score was calculated to assess if this variant is too frequent to cause the disease. Based on the score and internal cut-off values, a variant classified as benign is not then subjected to further curation. The score for this variant resulted in a classification of benign for this disease.

NM_006918.5(SC5D):c.*3070C>T

Gene: SC5D (sterol-C5-desaturase; plus strand). Cytogenetic location: 11q24.1.
Variant type: single nucleotide variant.
Coding change: c.*3070C>T on transcript NM_006918.5 (MANE Select); 3070 bases downstream of the stop codon, C replaced by T.
Molecular consequence: 3 prime UTR variant.
Genome position (GRCh38, 1-based): chr11:121,310,582, C>T. VCF-style: chr11-121310582-C-T. GRCh37 (hg19) VCF-style: chr11-121181291-C-T.
Other names: c.*3070C>T (NM_001024956.3).
Identifiers: ClinVar variation 879976 (VCV000879976.4), dbSNP rs563938795, ClinGen allele CA229860116.